The following is an entry in ClinVar:

ClinVar aggregate classification (germline): Conflicting classifications of pathogenicity. Review status: criteria provided, conflicting classifications (1 of 4 stars). 2 submissions from 2 submitters: Likely pathogenic (1); Uncertain significance (1). Last evaluated 2024-10-15.

Conditions:
USH2A-related disorder. Also called: USH2A-related disorders; USH2A-related condition. Identifiers: MedGen CN239332.

gnomAD v4.1: 52 of 1,613,764 alleles (0.0032%); highest among the groups gnomAD compares: South Asian, 0.023%; no homozygotes.

Submissions (2):

Blueprint Genetics
Classification: Likely pathogenic for USH2A-related disorders. Last evaluated: 2024-10-15. Review status: criteria provided, single submitter. Criteria: ACMG Guidelines, 2015. Collection method: clinical testing. Allele origin: germline. Affected: yes. Observed: 3 variant alleles.

Labcorp Genetics (formerly Invitae), Labcorp
Classification: Uncertain significance. Last evaluated: 2024-03-27. Review status: criteria provided, single submitter. Criteria: Invitae Variant Classification Sherloc (09022015). Collection method: clinical testing. Allele origin: germline.
Comment: This sequence change replaces proline, which is neutral and non-polar, with leucine, which is neutral and non-polar, at codon 4984 of the USH2A protein (p.Pro4984Leu). This variant is present in population databases (rs144884183, gnomAD 0.03%). This variant has not been reported in the literature in individuals affected with USH2A-related conditions. Advanced modeling of protein sequence and biophysical properties (such as structural, functional, and spatial information, amino acid conservation, physicochemical variation, residue mobility, and thermodynamic stability) has been performed at Invitae for this missense variant, however the output from this modeling did not meet the statistical confidence thresholds required to predict the impact of this variant on USH2A protein function. In summary, the available evidence is currently insufficient to determine the role of this variant in disease. Therefore, it has been classified as a Variant of Uncertain Significance.

NM_206933.4(USH2A):c.14951C>T (p.Pro4984Leu)

Gene: USH2A (usherin; minus strand). Cytogenetic location: 1q41.
Variant type: single nucleotide variant.
Coding change: c.14951C>T on transcript NM_206933.4 (MANE Select); coding-DNA position 14951, C replaced by T.
Protein change: p.Pro4984Leu; replaces proline 4984 with leucine.
Molecular consequence: missense variant.
Genome position (GRCh38, 1-based): chr1:215,640,575, G>A on the plus strand (C>T on the coding strand, the complement: USH2A is on the minus strand). VCF-style: chr1-215640575-G-A. GRCh37 (hg19) VCF-style: chr1-215813917-G-A.
Other names: short protein forms P4984L.
Identifiers: ClinVar variation 3712286 (VCV003712286.2).